The following is an entry in ClinVar:

NM_014611.3(MDN1):c.4613A>C (p.Asn1538Thr)

Gene: MDN1 (midasin AAA ATPase 1; minus strand). Cytogenetic location: 6q15.
Variant type: single nucleotide variant.
Coding change: c.4613A>C on transcript NM_014611.3 (MANE Select); coding-DNA position 4613, A replaced by C.
Protein change: p.Asn1538Thr; replaces asparagine 1538 with threonine.
Molecular consequence: missense variant.
Genome position (GRCh38, 1-based): chr6:89,738,436, T>G on the plus strand (A>C on the coding strand, the complement: MDN1 is on the minus strand). VCF-style: chr6-89738436-T-G. GRCh37 (hg19) VCF-style: chr6-90448155-T-G.
Other names: short protein forms N1538T.
Identifiers: ClinVar variation 441063 (VCV000441063.5), dbSNP rs202131758, ClinGen allele CA3925038.
Genomic context (GRCh38, chr6:89,738,436, plus strand): 5'-ATGATCTGAATTAAATCTTCACGGCTTGTGCTTTGAGGGCACCATATTTCTGTAAACCGG[T>G]TTCTTAAGGCAGGAGACAGCTATAAGAAACACAAAACTTCAATGTGAATTTTTAAAACTG-3'
Protein context (NP_055426.1, residues 1528-1548): GKKELSPALR[Asn1538Thr]RFTEIWCPQS

ClinVar aggregate classification (germline): Uncertain significance (1 of 4 stars; one submission).

Allele frequency attached by ClinVar (database versions not stated): gnomAD 0.00004 and 0.00005; gnomAD exomes 0.00004 and 0.00006; TOPMed 0.00004; ExAC 0.00007.
gnomAD v4.1: 72 of 1,613,896 alleles (0.0045%); highest among the groups gnomAD compares: Middle Eastern, 0.016%; no homozygotes.

Submission:

Ambry Genetics
Classification: Uncertain significance. Last evaluated: 2025-08-26. Review status: criteria provided, single submitter. Criteria: Ambry Variant Classification Scheme 2023. Collection method: clinical testing. Allele origin: germline.